The following is an entry in ClinVar:

NM_001042492.3(NF1):c.390T>A (p.His130Gln)

Gene: NF1 (neurofibromin 1; plus strand). Cytogenetic location: 17q11.2.
Variant type: single nucleotide variant.
Coding change: c.390T>A on transcript NM_001042492.3 (MANE Select); coding-DNA position 390, T replaced by A.
Protein change: p.His130Gln; replaces histidine 130 with glutamine.
Molecular consequence: missense variant.
Genome position (GRCh38, 1-based): chr17:31,163,287, T>A. VCF-style: chr17-31163287-T-A. GRCh37 (hg19) VCF-style: chr17-29490305-T-A.
Other names: c.390T>A, p.His130Gln (NM_000267.4, NM_001128147.3); short protein forms H130Q.
Identifiers: ClinVar variation 645168 (VCV000645168.5), dbSNP rs1597635884, ClinGen allele CA398981850.

ClinVar aggregate classification (germline): Uncertain significance (1 of 4 stars; one submission).

Conditions:
Neurofibromatosis, type 1 (NF1). Also called: NEUROFIBROMATOSIS, TYPE I, SOMATIC; VON RECKLINGHAUSEN DISEASE; Neurofibromatosis, type I; Peripheral type neurofibromatosis. Identifiers: Orphanet 636, MedGen C0027831, MONDO:0018975, OMIM 162200. Disease mechanism: loss of function.

gnomAD v4.1: 1 of 1,614,210 alleles (0.000062%); no homozygotes.

Submission:

Labcorp Genetics (formerly Invitae), Labcorp
Classification: Uncertain significance for Neurofibromatosis, type 1. Last evaluated: 2022-11-22. Review status: criteria provided, single submitter. Criteria: Invitae Variant Classification Sherloc (09022015). Collection method: clinical testing. Allele origin: germline.
Comment: This variant is not present in population databases (gnomAD no frequency). This variant has not been reported in the literature in individuals affected with NF1-related conditions. ClinVar contains an entry for this variant (Variation ID: 645168). Algorithms developed to predict the effect of missense changes on protein structure and function (SIFT, PolyPhen-2, Align-GVGD) all suggest that this variant is likely to be tolerated. In summary, the available evidence is currently insufficient to determine the role of this variant in disease. Therefore, it has been classified as a Variant of Uncertain Significance. This sequence change replaces histidine, which is basic and polar, with glutamine, which is neutral and polar, at codon 130 of the NF1 protein (p.His130Gln).